The following is an entry in ClinVar:

NM_001267550.2(TTN):c.47701G>T (p.Glu15901Ter)

Genes: TTN (titin; minus strand), TTN-AS1 (TTN antisense RNA 1; plus strand). Cytogenetic location: 2q31.2.
Variant type: single nucleotide variant.
Coding change: c.47701G>T on transcript NM_001267550.2 (MANE Select); coding-DNA position 47701, G replaced by T.
Protein change: p.Glu15901Ter; replaces glutamic acid 15901 with a stop codon.
Molecular consequence: nonsense.
Genome position (GRCh38, 1-based): chr2:178,617,384, C>A on the plus strand (G>T on the coding strand, the complement: TTN is on the minus strand). VCF-style: chr2-178617384-C-A. GRCh37 (hg19) VCF-style: chr2-179482111-C-A.
Other names: c.47701G>T (NM_001267550.1); c.42778G>T, p.Glu14260Ter (NM_001256850.1); c.20506G>T, p.Glu6836Ter (NM_003319.4); c.39997G>T, p.Glu13333Ter (NM_133378.4); c.20881G>T, p.Glu6961Ter (NM_133432.3); c.21082G>T, p.Glu7028Ter (NM_133437.4); short protein forms E15901*, E13333*, E6961*, E14260*, E6836*, E7028*.
Identifiers: ClinVar variation 1504032 (VCV001504032.7), dbSNP rs530338718, ClinGen allele CA349613758.

ClinVar aggregate classification (germline): Likely pathogenic. Review status: criteria provided, multiple submitters, no conflicts (2 of 4 stars). 2 submissions from 2 submitters: Likely pathogenic (2). Last evaluated 2025-06-16.

Conditions:
Dilated cardiomyopathy 1G (CMD1G). Identifiers: Orphanet 154, MedGen C1858763, MONDO:0011400, OMIM 604145.
Autosomal recessive limb-girdle muscular dystrophy type 2J (LGMDR10). Also called: MUSCULAR DYSTROPHY, LIMB-GIRDLE, AUTOSOMAL RECESSIVE 10; Limb-girdle muscular dystrophy, type 2J. Identifiers: Orphanet 140922, MedGen C1837342, MONDO:0012127, OMIM 608807.

Submissions (2):

GeneDx
Classification: Likely pathogenic. Last evaluated: 2025-06-16. Review status: criteria provided, single submitter. Criteria: GeneDx Variant Classification Process June 2021. Collection method: clinical testing. Allele origin: germline. Affected: yes.
Comment: Nonsense variant predicted to result in protein truncation or nonsense mediated decay in a gene for which loss of function is a known mechanism of disease; Not observed at significant frequency in large population cohorts (gnomAD); Has not been previously published as pathogenic or benign to our knowledge; This variant is associated with the following publications: (PMID: 22335739, 32778822)

Labcorp Genetics (formerly Invitae), Labcorp
Classification: Likely pathogenic for Dilated cardiomyopathy 1G; Autosomal recessive limb-girdle muscular dystrophy type 2J. Last evaluated: 2022-03-28. Review status: criteria provided, single submitter. Criteria: Invitae Variant Classification Sherloc (09022015). Collection method: clinical testing. Allele origin: germline.
Comment: This variant has not been reported in the literature in individuals affected with TTN-related conditions. This variant is located in the A band of TTN (PMID: 25589632). Truncating variants in this region are significantly overrepresented in patients affected with dilated cardiomyopathy (PMID: 25589632). Truncating variants in this region have also been reported in individuals affected with autosomal recessive centronuclear myopathy (PMID: 23975875). In summary, the currently available evidence indicates that the variant is pathogenic, but additional data are needed to prove that conclusively. Therefore, this variant has been classified as Likely Pathogenic. This variant is not present in population databases (gnomAD no frequency). This sequence change creates a premature translational stop signal (p.Glu15901*) in the TTN gene. While this is not anticipated to result in nonsense mediated decay, it is expected to create a truncated TTN protein.

Literature cited by the submitters: PubMed 25589632 (cited by Labcorp Genetics (formerly Invitae), Labcorp); PubMed 23975875 (cited by Labcorp Genetics (formerly Invitae), Labcorp).